The following is an entry in ClinVar:

NM_004655.4(AXIN2):c.1335G>A (p.Arg445=)

Gene: AXIN2 (axin 2; minus strand). Cytogenetic location: 17q24.1.
Variant type: single nucleotide variant.
Coding change: c.1335G>A on transcript NM_004655.4 (MANE Select); coding-DNA position 1335, G replaced by A.
Protein change: p.Arg445=; no amino-acid change (arginine 445 retained).
Molecular consequence: synonymous variant.
Genome position (GRCh38, 1-based): chr17:65,537,701, C>T on the plus strand (G>A on the coding strand, the complement: AXIN2 is on the minus strand). VCF-style: chr17-65537701-C-T. GRCh37 (hg19) VCF-style: chr17-63533819-C-T.
Other names: c.1335G>A, p.Arg445= (NM_001363813.1); c.1335G>A (NM_004655.3).
Identifiers: ClinVar variation 1081964 (VCV001081964.11), dbSNP rs2144465684, ClinGen allele CA501691259.

ClinVar aggregate classification (germline): Benign/Likely benign. Review status: criteria provided, multiple submitters, no conflicts (2 of 4 stars). 3 submissions from 3 submitters: Benign (1); Likely benign (2). Last evaluated 2024-10-23.

Conditions:
Hereditary cancer-predisposing syndrome. Also called: Hereditary Cancer Syndrome; Hereditary neoplastic syndrome; Tumor predisposition; Neoplastic Syndromes, Hereditary. Identifiers: Orphanet 140162, MedGen C0027672, MeSH D009386, MONDO:0015356.
Oligodontia-cancer predisposition syndrome. Also called: TOOTH AGENESIS-COLORECTAL CANCER SYNDROME. Identifiers: Orphanet 300576, MedGen C1837750, MONDO:0012075, OMIM 608615. Disease mechanism: loss of function.

Allele frequency attached by ClinVar (database versions not stated): gnomAD exomes below 0.00001.
gnomAD v4.1: 2 of 1,557,998 alleles (0.00013%); highest among the groups gnomAD compares: Non-Finnish European, 0.00017%; no homozygotes.

Submissions (3):

Ambry Genetics
Classification: Likely benign for Hereditary cancer-predisposing syndrome. Last evaluated: 2024-10-23. Review status: criteria provided, single submitter. Criteria: Ambry Variant Classification Scheme 2023. Collection method: clinical testing. Allele origin: germline.

Labcorp Genetics (formerly Invitae), Labcorp
Classification: Likely benign for Oligodontia-cancer predisposition syndrome. Last evaluated: 2024-07-21. Review status: criteria provided, single submitter. Criteria: Invitae Variant Classification Sherloc (09022015). Collection method: clinical testing. Allele origin: germline.

Myriad Genetics, Inc.
Classification: Benign for Oligodontia-cancer predisposition syndrome. Last evaluated: 2024-07-02. Review status: criteria provided, single submitter. Criteria: Myriad Autosomal Dominant, Autosomal Recessive and X-Linked Classification Criteria (2023). Collection method: clinical testing. Allele origin: unknown.
Comment: This variant is considered benign. This variant is a silent/synonymous amino acid change and it is not expected to impact splicing.